The following is an entry in ClinVar:

ClinVar aggregate classification (germline): Conflicting classifications of pathogenicity. Review status: criteria provided, conflicting classifications (1 of 4 stars). 3 submissions from 3 submitters: Uncertain significance (1); Likely benign (2). Last evaluated 2025-09-13.

Allele frequency attached by ClinVar (database versions not stated): gnomAD exomes below 0.00001 and 0.00004; TOPMed below 0.00001; gnomAD 0.00001 and 0.00002; ExAC 0.00006; 1000 Genomes Project 0.00040; 1000 Genomes Project 30x 0.00062.
gnomAD v4.1: 15 of 1,613,452 alleles (0.00093%); highest among the groups gnomAD compares: East Asian, 0.016%; no homozygotes.

Submissions (3):

Labcorp Genetics (formerly Invitae), Labcorp
Classification: Likely benign. Last evaluated: 2025-09-13. Review status: criteria provided, single submitter. Criteria: Invitae Variant Classification Sherloc (09022015). Collection method: clinical testing. Allele origin: germline.

GeneDx
Classification: Likely benign. Last evaluated: 2018-02-08. Review status: criteria provided, single submitter. Criteria: GeneDx Variant Classification (06012015). Collection method: clinical testing. Allele origin: germline. Affected: yes.
Comment: This variant is considered likely benign or benign based on one or more of the following criteria: it is a conservative change, it occurs at a poorly conserved position in the protein, it is predicted to be benign by multiple in silico algorithms, and/or has population frequency not consistent with disease.

Athena Diagnostics
Classification: Uncertain significance. Last evaluated: 2016-12-12. Review status: criteria provided, single submitter. Criteria: Athena Diagnostics Criteria. Collection method: clinical testing. Allele origin: germline.

NM_020247.5(COQ8A):c.1773T>C (p.Ile591=)

Gene: COQ8A (coenzyme Q8A; plus strand). Cytogenetic location: 1q42.13.
Variant type: single nucleotide variant.
Coding change: c.1773T>C on transcript NM_020247.5 (MANE Select); coding-DNA position 1773, T replaced by C.
Protein change: p.Ile591=; no amino-acid change (isoleucine 591 retained).
Molecular consequence: synonymous variant.
Genome position (GRCh38, 1-based): chr1:226,986,566, T>C. VCF-style: chr1-226986566-T-C. GRCh37 (hg19) VCF-style: chr1-227174267-T-C.
Identifiers: ClinVar variation 446792 (VCV000446792.11), dbSNP rs369502091, ClinGen allele CA1425661.